The following is an entry in ClinVar:

NM_144991.3(TSPEAR):c.343G>A (p.Asp115Asn)

Gene: TSPEAR (thrombospondin type laminin G domain and EAR repeats; minus strand). Cytogenetic location: 21q22.3.
Variant type: single nucleotide variant.
Coding change: c.343G>A on transcript NM_144991.3 (MANE Select); coding-DNA position 343, G replaced by A.
Protein change: p.Asp115Asn; replaces aspartic acid 115 with asparagine.
Molecular consequence: missense variant.
Genome position (GRCh38, 1-based): chr21:44,533,884, C>T on the plus strand (G>A on the coding strand, the complement: TSPEAR is on the minus strand). VCF-style: chr21-44533884-C-T. GRCh37 (hg19) VCF-style: chr21-45953767-C-T.
Other names: c.139G>A, p.Asp47Asn (NM_001272037.2); short protein forms D115N, D47N.
Identifiers: ClinVar variation 504830 (VCV000504830.54), dbSNP rs144586270, ClinGen allele CA10057051.

ClinVar aggregate classification (germline): Conflicting classifications of pathogenicity. Review status: criteria provided, conflicting classifications (1 of 4 stars). 8 submissions from 8 submitters: Uncertain significance (1); Benign (2); Likely benign (4). 1 of the submissions does not count toward it. Last evaluated 2026-09-01.

Conditions:
TSPEAR-related disorder. Also called: TSPEAR-related condition.

Allele frequency attached by ClinVar (database versions not stated): gnomAD exomes 0.00083 and 0.00118; ExAC 0.00120; 1000 Genomes Project 0.00140; 1000 Genomes Project 30x 0.00141; gnomAD 0.00182 and 0.00189; TOPMed 0.00210; ESP Exome Variant Server 0.00216.

Submissions (8):

CeGaT Center for Human Genetics Tuebingen
Classification: Likely benign. Last evaluated: 2026-09-01. Review status: criteria provided, single submitter. Criteria: CeGaT Center For Human Genetics Tuebingen Variant Classification Criteria Version 2. Collection method: clinical testing. Allele origin: germline. Affected: yes. Observed: 4 variant alleles.
Comment: TSPEAR: BS2

Labcorp Genetics (formerly Invitae), Labcorp
Classification: Likely benign. Last evaluated: 2026-01-14. Review status: criteria provided, single submitter. Criteria: Invitae Variant Classification Sherloc (09022015). Collection method: clinical testing. Allele origin: germline.

Blueprint Genetics
Classification: Likely benign. Last evaluated: 2024-10-14. Review status: criteria provided, single submitter. Criteria: ACMG Guidelines, 2015. Collection method: clinical testing. Allele origin: germline.

Athena Diagnostics
Classification: Likely benign. Last evaluated: 2019-07-26. Review status: criteria provided, single submitter. Criteria: Athena Diagnostics Criteria. Collection method: clinical testing. Allele origin: germline.

GeneDx
Classification: Benign. Last evaluated: 2019-01-31. Review status: criteria provided, single submitter. Criteria: GeneDx Variant Classification Process June 2021. Collection method: clinical testing. Allele origin: germline. Affected: yes.

Eurofins Ntd Llc (ga)
Classification: Uncertain significance. Last evaluated: 2018-03-23. Review status: criteria provided, single submitter. Criteria: EGL ClinVar v180209 classification definitions. Collection method: clinical testing. Allele origin: germline. Observed: 1 variant allele, 1 heterozygote.

Laboratory for Molecular Medicine, Mass General Brigham Personalized Medicine
Classification: Benign. Last evaluated: 2014-11-24. Review status: criteria provided, single submitter. Criteria: LMM Criteria. Collection method: clinical testing. Allele origin: germline. Observed: 1 variant allele.
Comment: Asp115Asn in exon 3 of TSPEAR: This variant is not expected to have clinical sig nificance because it has been identified in 0.5% (20/4388) of African American c hromosomes from a broad population by the NHLBI Exome Sequencing Project (dbSNP rs144586270).

PreventionGenetics, part of Exact Sciences
Classification: Likely benign for TSPEAR-related condition. Last evaluated: 2023-03-13. Review status: no assertion criteria provided. Collection method: clinical testing. Allele origin: germline. Not counted in ClinVar's aggregate classification.
Comment: This variant is classified as likely benign based on ACMG/AMP sequence variant interpretation guidelines (Richards et al. 2015 PMID: 25741868, with internal and published modifications).